The following is an entry in ClinVar:

ClinVar aggregate classification (germline): Uncertain significance (1 of 4 stars; one submission).

Conditions:
KIF5A-related disorder. Also called: KIF5A-related condition; KIF5A-related disorders.

Allele frequency attached by ClinVar (database versions not stated): gnomAD exomes below 0.00001.
gnomAD v4.1: 2 of 1,614,178 alleles (0.00012%); highest among the groups gnomAD compares: Non-Finnish European, 0.00017%; no homozygotes.

Submission:

PreventionGenetics, part of Exact Sciences
Classification: Uncertain significance for KIF5A-related condition. Last evaluated: 2022-09-15. Review status: criteria provided, single submitter. Criteria: ACMG Guidelines, 2015. Collection method: clinical testing. Allele origin: germline.
Comment: The KIF5A c.1452G>A variant is not predicted to result in an amino acid change (p.=). This variant is predicted to create a cryptic splice site (Alamut Visual Plus), however such prediction programs are imperfect and are not equivalent to functional evidence. To our knowledge, this variant has not been reported in the literature or in a large population database, indicating this variant is rare. At this time, the clinical significance of this variant is uncertain due to the absence of conclusive functional and genetic evidence.

NM_004984.4(KIF5A):c.1452G>A (p.Val484=)

Gene: KIF5A (kinesin family member 5A; plus strand). Cytogenetic location: 12q13.3.
Variant type: single nucleotide variant.
Coding change: c.1452G>A on transcript NM_004984.4 (MANE Select); coding-DNA position 1452, G replaced by A.
Protein change: p.Val484=; no amino-acid change (valine 484 retained).
Molecular consequence: synonymous variant.
Genome position (GRCh38, 1-based): chr12:57,572,150, G>A. VCF-style: chr12-57572150-G-A. GRCh37 (hg19) VCF-style: chr12-57965933-G-A.
Other names: c.1185G>A, p.Val395= (NM_001354705.2).
Identifiers: ClinVar variation 2636933 (VCV002636933.1), dbSNP rs2540504121, ClinGen allele CA480264760.